The following is an entry in ClinVar:

ClinVar aggregate classification (germline): Likely benign (1 of 4 stars; one submission).

Allele frequency attached by ClinVar (database versions not stated): gnomAD exomes below 0.00001.
gnomAD v4.1: 6 of 1,603,984 alleles (0.00037%); highest among the groups gnomAD compares: South Asian, 0.0045%; no homozygotes.

Submission:

CeGaT Center for Human Genetics Tuebingen
Classification: Likely benign. Last evaluated: 2022-10-01. Review status: criteria provided, single submitter. Criteria: CeGaT Center For Human Genetics Tuebingen Variant Classification Criteria Version 2. Collection method: clinical testing. Allele origin: germline. Affected: yes. Observed: 1 variant allele.
Comment: TRIP12: BP4, BP7

NM_001348323.3(TRIP12):c.4863C>T (p.Thr1621=)

Gene: TRIP12 (thyroid hormone receptor interactor 12; minus strand). Cytogenetic location: 2q36.3.
Variant type: single nucleotide variant.
Coding change: c.4863C>T on transcript NM_001348323.3 (MANE Select); coding-DNA position 4863, C replaced by T.
Protein change: p.Thr1621=; no amino-acid change (threonine 1621 retained).
Molecular consequence: synonymous variant.
Genome position (GRCh38, 1-based): chr2:229,787,637, G>A on the plus strand (C>T on the coding strand, the complement: TRIP12 is on the minus strand). VCF-style: chr2-229787637-G-A. GRCh37 (hg19) VCF-style: chr2-230652353-G-A.
Other names: c.4782C>T, p.Thr1594= (NM_001284214.2, NM_001348315.2); c.4737C>T, p.Thr1579= (NM_001284215.2, NM_001348316.2); c.3828C>T, p.Thr1276= (NM_001284216.2); c.4722C>T, p.Thr1574= (NM_001348317.1, NM_001348318.2); c.4848C>T, p.Thr1616= (NM_001348319.1, NM_001348320.2); c.4851C>T, p.Thr1617= (NM_001348321.1); c.4863C>T, p.Thr1621= (NM_001348322.1, NM_001348324.2, NM_001348325.2 and 2 more transcripts); c.4866C>T, p.Thr1622= (NM_001348328.1, NM_001348329.2, NM_001348330.2); and 4 more.
Identifiers: ClinVar variation 2651976 (VCV002651976.24), dbSNP rs199534503, ClinGen allele CA66687325.